The following is an entry in ClinVar:

NM_000426.4(LAMA2):c.8689C>T (p.Arg2897Ter)

Gene: LAMA2 (laminin subunit alpha 2; plus strand). Cytogenetic location: 6q22.33.
Variant type: single nucleotide variant.
Coding change: c.8689C>T on transcript NM_000426.4 (MANE Select); coding-DNA position 8689, C replaced by T.
Protein change: p.Arg2897Ter; replaces arginine 2897 with a stop codon.
Molecular consequence: nonsense.
Genome position (GRCh38, 1-based): chr6:129,505,341, C>T. VCF-style: chr6-129505341-C-T. GRCh37 (hg19) VCF-style: chr6-129826486-C-T.
Other names: c.8677C>T, p.Arg2893Ter (NM_001079823.2); short protein forms R2897*, R2893*.
Identifiers: ClinVar variation 871321 (VCV000871321.66), dbSNP rs750328754, ClinGen allele CA365635035.

ClinVar aggregate classification (germline): Pathogenic/Likely pathogenic. Review status: criteria provided, multiple submitters, no conflicts (2 of 4 stars). 4 submissions from 4 submitters: Pathogenic (3); Likely pathogenic (1). Last evaluated 2024-02-16.

Conditions:
LAMA2-related disorder. Also called: LAMA2-related condition; LAMA2-related disorders.
LAMA2-related muscular dystrophy (LAMA2-RD). Also called: Laminin alpha 2-related dystrophy. Identifiers: MedGen C5679788, MONDO:0100228.
Abnormality of the musculature. Identifiers: MedGen C4021745, HP:0003011.

gnomAD v4.1: 4 of 1,612,960 alleles (0.00025%); highest among the groups gnomAD compares: South Asian, 0.0011%; no homozygotes.

Submissions (4):

Labcorp Genetics (formerly Invitae), Labcorp
Classification: Pathogenic for LAMA2-related muscular dystrophy. Last evaluated: 2024-02-16. Review status: criteria provided, single submitter. Criteria: Invitae Variant Classification Sherloc (09022015). Collection method: clinical testing. Allele origin: germline.
Comment: This sequence change creates a premature translational stop signal (p.Arg2897*) in the LAMA2 gene. It is expected to result in an absent or disrupted protein product. Loss-of-function variants in LAMA2 are known to be pathogenic (PMID: 18700894, 32904964). This variant is not present in population databases (gnomAD no frequency). This variant has not been reported in the literature in individuals affected with LAMA2-related conditions. ClinVar contains an entry for this variant (Variation ID: 871321). Algorithms developed to predict the effect of sequence changes on RNA splicing suggest that this variant may disrupt the consensus splice site. For these reasons, this variant has been classified as Pathogenic.

Blueprint Genetics
Classification: Likely pathogenic for LAMA2-related disorders. Last evaluated: 2022-12-09. Review status: criteria provided, single submitter. Criteria: ACMG Guidelines, 2015. Collection method: clinical testing. Allele origin: germline. Affected: yes. Observed: 1 variant allele.

Kariminejad - Najmabadi Pathology & Genetics Center
Classification: Pathogenic for Abnormality of the musculature. Last evaluated: 2021-07-10. Review status: criteria provided, single submitter. Criteria: ACMG Guidelines, 2015. Collection method: clinical testing. Allele origin: germline. Affected: yes.

CeGaT Center for Human Genetics Tuebingen
Classification: Pathogenic. Last evaluated: 2019-10-01. Review status: criteria provided, single submitter. Criteria: CeGaT Center For Human Genetics Tuebingen Variant Classification Criteria Version 2. Collection method: clinical testing. Allele origin: germline. Affected: yes. Observed: 3 variant alleles.

Literature cited by the submitters: PubMed 18700894 (cited by Labcorp Genetics (formerly Invitae), Labcorp); PubMed 32904964 (cited by Labcorp Genetics (formerly Invitae), Labcorp).